The following is an entry in ClinVar:

ClinVar aggregate classification (germline): Uncertain significance. Review status: criteria provided, single submitter (1 of 4 stars). 2 submissions from 2 submitters: Uncertain significance (1). 1 of the submissions does not count toward it. Last evaluated 2022-04-12.

Conditions:
Multiple acyl-CoA dehydrogenase deficiency (MADD). Also called: Glutaric Acidemia type 2; Glutaric aciduria, type 2; Glutaric acidemia type II; GA 2; ETHYLMALONIC-ADIPICACIDURIA; GA II. Identifiers: Orphanet 26791, MedGen C0268596, MONDO:0009282, OMIM 231680.

Allele frequency attached by ClinVar (database versions not stated): TOPMed below 0.00001; ExAC 0.00001; gnomAD 0.00001; gnomAD exomes 0.00001 and 0.00002.

Submissions (2):

Labcorp Genetics (formerly Invitae), Labcorp
Classification: Uncertain significance for Multiple acyl-CoA dehydrogenase deficiency. Last evaluated: 2022-04-12. Review status: criteria provided, single submitter. Criteria: Invitae Variant Classification Sherloc (09022015). Collection method: clinical testing. Allele origin: germline.
Comment: This sequence change replaces arginine, which is basic and polar, with histidine, which is basic and polar, at codon 86 of the ETFDH protein (p.Arg86His). This variant is present in population databases (rs777655131, gnomAD 0.01%). This variant has not been reported in the literature in individuals affected with ETFDH-related conditions. ClinVar contains an entry for this variant (Variation ID: 1284258). Algorithms developed to predict the effect of missense changes on protein structure and function output the following: SIFT: "Deleterious"; PolyPhen-2: "Benign"; Align-GVGD: "Class C0". The histidine amino acid residue is found in multiple mammalian species, which suggests that this missense change does not adversely affect protein function. In summary, the available evidence is currently insufficient to determine the role of this variant in disease. Therefore, it has been classified as a Variant of Uncertain Significance.

Department of Neurology, Second Xiangya Hospital of Central South University
Classification: Likely pathogenic for Multiple acyl-CoA dehydrogenase deficiency. Last evaluated: 2021-09-23. Review status: no assertion criteria provided. Collection method: clinical testing. Allele origin: germline. Inheritance: Autosomal recessive inheritance. Affected: yes. Observed: 1 compound heterozygote. Not counted in ClinVar's aggregate classification.

NM_004453.4(ETFDH):c.257G>A (p.Arg86His)

Gene: ETFDH (electron transfer flavoprotein dehydrogenase; plus strand). Cytogenetic location: 4q32.1.
Variant type: single nucleotide variant.
Coding change: c.257G>A on transcript NM_004453.4 (MANE Select); coding-DNA position 257, G replaced by A.
Protein change: p.Arg86His; replaces arginine 86 with histidine.
Molecular consequence: missense variant.
Genome position (GRCh38, 1-based): chr4:158,682,276, G>A. VCF-style: chr4-158682276-G-A. GRCh37 (hg19) VCF-style: chr4-159603428-G-A.
Other names: p.R86H; c.74G>A, p.Arg25His (NM_001281738.1); c.116G>A, p.Arg39His (NM_001281737.2); short protein forms R25H, R39H, R86H.
Identifiers: ClinVar variation 1284258 (VCV001284258.5), dbSNP rs777655131, ClinGen allele CA3122309.